The following is an entry in ClinVar:

NM_000195.5(HPS1):c.566G>A (p.Arg189Gln)

Gene: HPS1 (HPS1 biogenesis of lysosomal organelles complex 3 subunit 1; minus strand). Cytogenetic location: 10q24.2.
Variant type: single nucleotide variant.
Coding change: c.566G>A on transcript NM_000195.5 (MANE Select); coding-DNA position 566, G replaced by A.
Protein change: p.Arg189Gln; replaces arginine 189 with glutamine.
Molecular consequence: missense variant. On other transcripts: 5 prime UTR variant (3), intron variant (5).
Genome position (GRCh38, 1-based): chr10:98,431,233, C>T on the plus strand (G>A on the coding strand, the complement: HPS1 is on the minus strand). VCF-style: chr10-98431233-C-T. GRCh37 (hg19) VCF-style: chr10-100190990-C-T.
Other names: c.-308G>A (NM_001311345.2, NM_001322489.2); c.566G>A, p.Arg189Gln (NM_001322476.2, NM_001322477.2, NM_001322478.2 and 3 more transcripts); c.197G>A, p.Arg66Gln (NM_001322483.2, NM_001322484.2, NM_001322485.2); c.-407G>A (NM_001322487.2); c.408-563G>A (NM_001322480.2, NM_001322482.2, NM_001322481.2); c.551-563G>A (NM_001322492.2, NM_001322490.2); c.566G>A (NM_000195.3); short protein forms R66Q, R189Q.
Identifiers: ClinVar variation 2148580 (VCV002148580.2), dbSNP rs376436969, ClinGen allele CA5639360.

ClinVar aggregate classification (germline): Uncertain significance. Review status: criteria provided, multiple submitters, no conflicts (2 of 4 stars). 2 submissions from 2 submitters: Uncertain significance (2). Last evaluated 2025-09-28.

Conditions:
Inborn genetic diseases. Identifiers: MedGen C0950123, MeSH D030342.

Allele frequency attached by ClinVar (database versions not stated): ExAC 0.00001; gnomAD 0.00003; ESP Exome Variant Server 0.00008; TOPMed 0.00003; gnomAD exomes 0.00005.
gnomAD v4.1: 71 of 1,613,886 alleles (0.0044%); highest among the groups gnomAD compares: Middle Eastern, 0.016%; no homozygotes.

Submissions (2):

Ambry Genetics
Classification: Uncertain significance for Inborn genetic diseases. Last evaluated: 2025-09-28. Review status: criteria provided, single submitter. Criteria: Ambry Variant Classification Scheme 2023. Collection method: clinical testing. Allele origin: germline.

Labcorp Genetics (formerly Invitae), Labcorp
Classification: Uncertain significance. Last evaluated: 2021-08-26. Review status: criteria provided, single submitter. Criteria: Invitae Variant Classification Sherloc (09022015). Collection method: clinical testing. Allele origin: germline.
Comment: This sequence change replaces arginine with glutamine at codon 189 of the HPS1 protein (p.Arg189Gln). The arginine residue is moderately conserved and there is a small physicochemical difference between arginine and glutamine. This variant is present in population databases (rs376436969, ExAC 0.002%). This variant has not been reported in the literature in individuals affected with HPS1-related conditions. Algorithms developed to predict the effect of missense changes on protein structure and function output the following: SIFT: "Tolerated"; PolyPhen-2: "Benign"; Align-GVGD: "Class C0". The glutamine amino acid residue is found in multiple mammalian species, which suggests that this missense change does not adversely affect protein function. In summary, the available evidence is currently insufficient to determine the role of this variant in disease. Therefore, it has been classified as a Variant of Uncertain Significance.